The following is an entry in ClinVar:

ClinVar aggregate classification (germline): Pathogenic (1 of 4 stars; one submission).

Conditions:
Tyrosinase-positive oculocutaneous albinism (OCA2). Also called: ALBINISM II; Oculocutaneous albinism type 2; Albinism, oculocutaneous, type II. Identifiers: Orphanet 79432, MedGen C0268495, MONDO:0008746, OMIM 203200.

Submission:

Myriad Genetics, Inc.
Classification: Pathogenic for Tyrosinase-positive oculocutaneous albinism. Last evaluated: 2026-03-11. Review status: criteria provided, single submitter. Criteria: Myriad Autosomal Dominant, Autosomal Recessive and X-Linked Classification Criteria (2023). Collection method: clinical testing. Allele origin: unknown.
Comment: NM_000275.2(OCA2):c.1431delT(I477Mfs*22) is expected to be pathogenic in the context of oculocutaneous albinism, OCA2-related. This variant is predicted to lead to an abnormal or absent protein product due to the creation of a premature termination codon in OCA2, a gene where loss-of-function variants are known to be pathogenic. Please note: this variant was assessed in the context of healthy population screening.

NM_000275.3(OCA2):c.1431del (p.Ile477fs)

Gene: OCA2 (OCA2 melanosomal transmembrane protein; minus strand). Cytogenetic location: 15q13.1.
Variant type: Deletion.
Coding change: c.1431del on transcript NM_000275.3 (MANE Select); coding-DNA position 1431, one base deleted (T; older notation c.1431delT).
Protein change: p.Ile477fs; shifts the reading frame from isoleucine 477.
Molecular consequence: frameshift variant.
Genome position (GRCh38, 1-based): chr15:27,983,417, A deleted on the plus strand (T on the coding strand, the reverse complement: OCA2 is on the minus strand); the first of 2 consecutive A bases (chr15:27,983,417-27,983,418); deleting either gives the same sequence. VCF-style (leftmost placement, unchanged base first): chr15-27983416-CA-C. GRCh37 (hg19) VCF-style: chr15-28228562-CA-C.
Other names: c.1359del, p.Ile453fs (NM_001300984.2); short protein forms I453fs, I477fs.
Identifiers: ClinVar variation 5015663 (VCV005015663.1).